The following is an entry in ClinVar:

NM_021603.4(FXYD2):c.19+60C>T

Genes: FXYD2 (FXYD domain containing ion transport regulator 2; minus strand), FXYD6-FXYD2 (FXYD6-FXYD2 readthrough; minus strand). Cytogenetic location: 11q23.3.
Variant type: single nucleotide variant.
Coding change: c.19+60C>T on transcript NM_021603.4; 60 bases into the intron after coding-DNA position 19, C replaced by T.
Molecular consequence: intron variant.
Genome position (GRCh38, 1-based): chr11:117,827,935, G>A on the plus strand (C>T on the coding strand, the complement: FXYD2 is on the minus strand). VCF-style: chr11-117827935-G-A. GRCh37 (hg19) VCF-style: chr11-117698650-G-A.
Other names: c.273-5218C>T (NM_001243598.4); c.260-5218C>T (NM_001204268.3).
Identifiers: ClinVar variation 1706802 (VCV001706802.2), dbSNP rs115868812, ClinGen allele CA229437976.

ClinVar aggregate classification (germline): Likely benign (1 of 4 stars; one submission).

Allele frequency attached by ClinVar (database versions not stated): 1000 Genomes Project 30x 0.01156; gnomAD 0.00934; gnomAD exomes 0.00095; TOPMed 0.01090; 1000 Genomes Project 0.01138; ESP Exome Variant Server 0.01139.
gnomAD v4.1: 2,424 of 1,150,790 alleles (0.21%); highest among the groups gnomAD compares: African/African-American, 3.1%; 23 homozygotes.

Submission:

GeneDx
Classification: Likely benign. Last evaluated: 2018-11-11. Review status: criteria provided, single submitter. Criteria: GeneDx Variant Classification Process June 2021. Collection method: clinical testing. Allele origin: germline. Affected: yes.
Comment: See Variant Classification Assertion Criteria.